The following is an entry in ClinVar:

NM_032043.3(BRIP1):c.440A>G (p.Tyr147Cys)

Gene: BRIP1 (BRCA1 interacting DNA helicase 1; minus strand). Cytogenetic location: 17q23.2.
Variant type: single nucleotide variant.
Coding change: c.440A>G on transcript NM_032043.3 (MANE Select); coding-DNA position 440, A replaced by G.
Protein change: p.Tyr147Cys; replaces tyrosine 147 with cysteine.
Molecular consequence: missense variant.
Genome position (GRCh38, 1-based): chr17:61,849,196, T>C on the plus strand (A>G on the coding strand, the complement: BRIP1 is on the minus strand). VCF-style: chr17-61849196-T-C. GRCh37 (hg19) VCF-style: chr17-59926557-T-C.
Other names: short protein forms Y147C.
Identifiers: ClinVar variation 2564588 (VCV002564588.3), dbSNP rs2145764233, ClinGen allele CA400484493.

ClinVar aggregate classification (germline): Uncertain significance. Review status: criteria provided, multiple submitters, no conflicts (2 of 4 stars). 2 submissions from 2 submitters: Uncertain significance (2). Last evaluated 2025-11-02.

Conditions:
Familial cancer of breast. Also called: BREAST CANCER, FAMILIAL; hereditary breast carcinoma; Hereditary breast cancer. Identifiers: Orphanet 227535, MedGen C0346153, MONDO:0016419, OMIM 114480. Disease mechanism: loss of function.
Fanconi anemia complementation group J. Also called: BRIP1-Related Fanconi Anemia. Identifiers: Orphanet 84, MedGen C1836860, MONDO:0012187, OMIM 609054.
Hereditary cancer-predisposing syndrome. Also called: Neoplastic Syndromes, Hereditary; Hereditary Cancer Syndrome; Tumor predisposition; Hereditary neoplastic syndrome. Identifiers: Orphanet 140162, MedGen C0027672, MeSH D009386, MONDO:0015356.

Allele frequency attached by ClinVar (database versions not stated): gnomAD exomes below 0.00001.

Submissions (2):

Labcorp Genetics (formerly Invitae), Labcorp
Classification: Uncertain significance for Familial cancer of breast; Fanconi anemia complementation group J. Last evaluated: 2025-11-02. Review status: criteria provided, single submitter. Criteria: Invitae Variant Classification Sherloc (09022015). Collection method: clinical testing. Allele origin: germline.
Comment: This sequence change replaces tyrosine, which is neutral and polar, with cysteine, which is neutral and slightly polar, at codon 147 of the BRIP1 protein (p.Tyr147Cys). This variant is not present in population databases (gnomAD no frequency). This variant has not been reported in the literature in individuals affected with BRIP1-related conditions. ClinVar contains an entry for this variant (Variation ID: 2564588). Invitae Evidence Modeling of protein sequence and biophysical properties (such as structural, functional, and spatial information, amino acid conservation, physicochemical variation, residue mobility, and thermodynamic stability) indicates that this missense variant is not expected to disrupt BRIP1 protein function with a negative predictive value of 95%. In summary, the available evidence is currently insufficient to determine the role of this variant in disease. Therefore, it has been classified as a Variant of Uncertain Significance.

Ambry Genetics
Classification: Uncertain significance for Hereditary cancer-predisposing syndrome. Last evaluated: 2023-04-07. Review status: criteria provided, single submitter. Criteria: Ambry Variant Classification Scheme 2023. Collection method: clinical testing. Allele origin: germline.
Comment: The p.Y147C variant (also known as c.440A>G), located in coding exon 4 of the BRIP1 gene, results from an A to G substitution at nucleotide position 440. The tyrosine at codon 147 is replaced by cysteine, an amino acid with highly dissimilar properties. This amino acid position is conserved. In addition, this alteration is predicted to be tolerated by in silico analysis. Since supporting evidence is limited at this time, the clinical significance of this alteration remains unclear.